The following is an entry in ClinVar:

NM_003441.4(ZNF141):c.204_205insGA (p.Lys69fs)

Gene: ZNF141 (zinc finger protein 141; plus strand). Cytogenetic location: 4p16.3.
Variant type: Insertion.
Coding change: c.204_205insGA on transcript NM_003441.4 (MANE Select); coding-DNA positions 204 to 205, GA inserted.
Protein change: p.Lys69fs; shifts the reading frame from lysine 69.
Molecular consequence: frameshift variant. On other transcripts: intron variant (1).
Genome position: GRCh38 VCF-style: chr4-344408-T-TGA. GRCh37 (hg19) VCF-style: chr4-338197-T-TGA.
Other names: c.204_205insGA, p.Lys69fs (NM_001348278.2, NM_001348279.2, NM_001348280.2); c.-3+6422_-3+6423insGA (NM_001348277.2); short protein forms K69fs.
Identifiers: ClinVar variation 1301649 (VCV001301649.5), dbSNP rs782422805, ClinGen allele CA2791592.
Genomic context (GRCh38, chr4:344,408, plus strand): 5'-TAACCCAGACCTGGTCACCTGTCTGGAGCAAAGAAAAGAGCCCTACAATGTGAAGATACA[T>TGA]AAGATCGTAGCCAGACCCCCAGGTAGGTGAGAGTGAATGGAGGAGAGGGCACAGGCAAGG-3'

ClinVar aggregate classification (germline): Benign/Likely benign. Review status: criteria provided, multiple submitters, no conflicts (2 of 4 stars). 3 submissions from 3 submitters: Benign (1); Likely benign (1). 1 of the submissions does not count toward it. Last evaluated 2024-11-26.

Conditions:
ZNF141-related disorder. Also called: ZNF141-related condition.

Allele frequency attached by ClinVar (database versions not stated): ExAC 0.00080.

Submissions (3):

Blueprint Genetics
Classification: Likely benign. Last evaluated: 2024-11-26. Review status: criteria provided, single submitter. Criteria: ACMG Guidelines, 2015. Collection method: clinical testing. Allele origin: germline.

Dubai Health Genomic Medicine Center, Dubai Health
Classification: Benign. Last evaluated: 2020-01-02. Review status: criteria provided, single submitter. Criteria: ACMG Guidelines, 2015. Collection method: clinical testing. Allele origin: germline. Affected: yes.

PreventionGenetics, part of Exact Sciences
Classification: Benign for ZNF141-related condition. Last evaluated: 2019-08-21. Review status: no assertion criteria provided. Collection method: clinical testing. Allele origin: germline. Not counted in ClinVar's aggregate classification.
Comment: This variant is classified as benign based on ACMG/AMP sequence variant interpretation guidelines (Richards et al. 2015 PMID: 25741868, with internal and published modifications).